The following is an entry in ClinVar:

ClinVar aggregate classification (germline): Uncertain significance. Review status: criteria provided, multiple submitters, no conflicts (2 of 4 stars). 2 submissions from 2 submitters: Uncertain significance (2). Last evaluated 2024-04-24.

Conditions:
Colorectal cancer, hereditary nonpolyposis, type 7. Identifiers: Orphanet 144, MedGen C1858380, MONDO:0013725, OMIM 614385.

Submissions (2):

Labcorp Genetics (formerly Invitae), Labcorp
Classification: Uncertain significance for Colorectal cancer, hereditary nonpolyposis, type 7. Last evaluated: 2024-04-24. Review status: criteria provided, single submitter. Criteria: Invitae Variant Classification Sherloc (09022015). Collection method: clinical testing. Allele origin: germline.
Comment: This sequence change falls in intron 6 of the MLH3 gene. It does not directly change the encoded amino acid sequence of the MLH3 protein. It affects a nucleotide within the consensus splice site. This variant is not present in population databases (gnomAD no frequency). This variant has not been reported in the literature in individuals affected with MLH3-related conditions. ClinVar contains an entry for this variant (Variation ID: 1381029). Variants that disrupt the consensus splice site are a relatively common cause of aberrant splicing (PMID: 17576681, 9536098). Algorithms developed to predict the effect of sequence changes on RNA splicing suggest that this variant may disrupt the consensus splice site. In summary, the available evidence is currently insufficient to determine the role of this variant in disease. Therefore, it has been classified as a Variant of Uncertain Significance.

Ambry Genetics
Classification: Uncertain significance. Last evaluated: 2024-02-08. Review status: criteria provided, single submitter. Criteria: Ambry Variant Classification Scheme 2023. Collection method: clinical testing. Allele origin: germline.
Comment: The c.3643+5G>A intronic variant results from a G to A substitution 5 nucleotides after coding exon 5 in the MLH3 gene. This nucleotide position is highly conserved in available vertebrate species. In silico splice site analysis predicts that this alteration will weaken the native splice donor site. The evidence for this gene-disease relationship is limited; therefore, the clinical significance of this alteration is unclear.

Literature cited by the submitters: PubMed 17576681 (cited by Labcorp Genetics (formerly Invitae), Labcorp); PubMed 9536098 (cited by Labcorp Genetics (formerly Invitae), Labcorp).

NM_001040108.2(MLH3):c.3643+5G>A

Gene: MLH3 (mutL homolog 3; minus strand). Cytogenetic location: 14q24.3.
Variant type: single nucleotide variant.
Coding change: c.3643+5G>A on transcript NM_001040108.2 (MANE Select); 5 bases into the intron after coding-DNA position 3643, G replaced by A.
Molecular consequence: intron variant.
Genome position (GRCh38, 1-based): chr14:75,038,335, C>T on the plus strand (G>A on the coding strand, the complement: MLH3 is on the minus strand). VCF-style: chr14-75038335-C-T. GRCh37 (hg19) VCF-style: chr14-75505038-C-T.
Other names: c.3643+5G>A (NM_014381.3).
Identifiers: ClinVar variation 1381029 (VCV001381029.8), dbSNP rs2139454564, ClinGen allele CA2573150192.